The following is an entry in ClinVar:

ClinVar aggregate classification (germline): Uncertain significance. Review status: criteria provided, multiple submitters, no conflicts (2 of 4 stars). 2 submissions from 2 submitters: Uncertain significance (2). Last evaluated 2023-04-15.

Conditions:
Hereditary nonpolyposis colorectal neoplasms. Identifiers: MedGen C0009405, MeSH D003123.

Submissions (2):

Labcorp Genetics (formerly Invitae), Labcorp
Classification: Uncertain significance for Hereditary nonpolyposis colorectal neoplasms. Last evaluated: 2023-04-15. Review status: criteria provided, single submitter. Criteria: Invitae Variant Classification Sherloc (09022015). Collection method: clinical testing. Allele origin: germline.
Comment: Advanced modeling of protein sequence and biophysical properties (such as structural, functional, and spatial information, amino acid conservation, physicochemical variation, residue mobility, and thermodynamic stability) performed at Invitae indicates that this missense variant is not expected to disrupt PMS2 protein function. In summary, the available evidence is currently insufficient to determine the role of this variant in disease. Therefore, it has been classified as a Variant of Uncertain Significance. ClinVar contains an entry for this variant (Variation ID: 418416). This variant has not been reported in the literature in individuals affected with PMS2-related conditions. This variant is not present in population databases (gnomAD no frequency). This sequence change replaces proline, which is neutral and non-polar, with leucine, which is neutral and non-polar, at codon 440 of the PMS2 protein (p.Pro440Leu).

GeneDx
Classification: Uncertain significance. Last evaluated: 2014-10-09. Review status: criteria provided, single submitter. Criteria: GeneDx Variant Classification (06012015). Collection method: clinical testing. Allele origin: germline. Affected: yes.
Comment: This variant is denoted PMS2 c.1319C>T at the cDNA level, p.Pro440Leu (P440L) at the protein level, and results in the change of a Proline to a Leucine (CCA>CTA). This variant has not, to our knowledge, been published in the literature as a germline pathogenic variant, but has been observed as a somatic change in breast cancer tumor sample (COSMIC). PMS2 Pro440Leu was not observed in approximately 6,500 individuals of European and African American ancestry in the NHLBI Exome Sequencing Project, indicating it is not a common benign variant in these populations. Since Proline and Leucine differ in some properties, this is considered a semi-conservative amino acid substitution. PMS2 Pro440Leu occurs at a position that is poorly conserved across species and is not located in a known functional domain (Fukui 2011). In silico analyses predict that this variant is unlikely to alter protein structure or function. Based on currently available information, it is unclear whether PMS2 Pro440Leu is pathogenic or benign. We consider it to be a variant of uncertain significance.

NM_000535.7(PMS2):c.1319C>T (p.Pro440Leu)

Gene: PMS2 (PMS1 homolog 2, mismatch repair system component; minus strand). Cytogenetic location: 7p22.1.
Variant type: single nucleotide variant.
Coding change: c.1319C>T on transcript NM_000535.7 (MANE Select); coding-DNA position 1319, C replaced by T.
Protein change: p.Pro440Leu; replaces proline 440 with leucine.
Molecular consequence: missense variant. On other transcripts: non-coding transcript variant (1).
Genome position (GRCh38, 1-based): chr7:5,987,446, G>A on the plus strand (C>T on the coding strand, the complement: PMS2 is on the minus strand). VCF-style: chr7-5987446-G-A. GRCh37 (hg19) VCF-style: chr7-6027077-G-A.
Other names: c.914C>T, p.Pro305Leu (NM_001322003.2, NM_001322004.2, NM_001322005.2 and 1 more transcripts); c.1163C>T, p.Pro388Leu (NM_001322006.2); c.1001C>T, p.Pro334Leu (NM_001322007.2, NM_001322008.2); c.758C>T, p.Pro253Leu (NM_001322010.2); c.386C>T, p.Pro129Leu (NM_001322011.2, NM_001322012.2); c.746C>T, p.Pro249Leu (NM_001322013.2); c.1319C>T, p.Pro440Leu (NM_001322014.2); c.1010C>T, p.Pro337Leu (NM_001322015.2); short protein forms P440L, P253L, P334L, P337L, P249L, P388L, P129L, P305L.
Identifiers: ClinVar variation 418416 (VCV000418416.5), dbSNP rs1064793233, ClinGen allele CA16618512.
Genomic context (GRCh38, chr7:5,987,446, plus strand): 5'-CCTGAAGTGCTAGAAGACAGCATACCCCTTTTCTGTCCTAGAGGGCTCCTTCTTGGTTCT[G>A]GAGTCTTTGGGCTGTGAGGCTTGTTCTCTGTTGTGTGACGAAGAGAAAAGGCCTCTCGCA-3'
Protein context (NP_000526.2, residues 430-450): TENKPHSPKT[Pro440Leu]EPRRSPLGQK